The following is an entry in ClinVar:

ClinVar aggregate classification (germline): Likely pathogenic (1 of 4 stars; one submission).

Conditions:
Cardiovascular phenotype. Identifiers: MedGen CN230736.

Submission:

Ambry Genetics
Classification: Likely pathogenic for Cardiovascular phenotype. Last evaluated: 2023-07-18. Review status: criteria provided, single submitter. Criteria: Ambry Variant Classification Scheme 2023. Collection method: clinical testing. Allele origin: germline.
Comment: The c.7419delT variant, located in coding exon 30 of the TTN gene, results from a deletion of one nucleotide at nucleotide position 7419, causing a translational frameshift with a predicted alternate stop codon (p.G2474Afs*11). This exon is located in the I-band region of the N2-B isoform of the titin protein and is constitutively expressed in TTN transcripts (percent spliced in or PSI 100%). This variant is considered to be rare based on population cohorts in the Genome Aggregation Database (gnomAD). This alteration is expected to result in loss of function by premature protein truncation or nonsense-mediated mRNA decay. While truncating variants in TTN are present in 1-3% of the general population, truncating variants in the A-band are the most common cause of dilated cardiomyopathy (DCM) (Herman DS et al. N. Engl. J. Med., 2012 Feb;366:619-28; Roberts AM et al. Sci Transl Med, 2015 Jan;7:270ra6). TTN truncating variants encoded in constitutive exons (PSI >90%) have been found to be significantly associated with DCM regardless of their position in titin (Schafer S et al. Nat. Genet., 2017 01;49:46-53). Based on the majority of available evidence to date, this variant is likely to be pathogenic.

NM_001267550.2(TTN):c.7557del (p.Gly2520fs)

Gene: TTN (titin; minus strand). Cytogenetic location: 2q31.2.
Variant type: Deletion.
Coding change: c.7557del on transcript NM_001267550.2 (MANE Select); coding-DNA position 7557, one base deleted (T; older notation c.7557delT).
Protein change: p.Gly2520fs; shifts the reading frame from glycine 2520.
Molecular consequence: frameshift variant.
Genome position (GRCh38, 1-based): chr2:178,773,499, A deleted on the plus strand (T on the coding strand, the reverse complement: TTN is on the minus strand); the first of 2 consecutive A bases (chr2:178,773,499-178,773,500); deleting either gives the same sequence. VCF-style (leftmost placement, unchanged base first): chr2-178773498-CA-C. GRCh37 (hg19) VCF-style: chr2-179638225-CA-C.
Other names: c.7557del, p.Gly2520fs (NM_001256850.1, NM_133378.4, NM_133379.5); c.7419del, p.Gly2474fs (NM_003319.4, NM_133432.3, NM_133437.4); c.7419delT (NM_003319.4); short protein forms G2520fs, G2474fs.
Identifiers: ClinVar variation 2586534 (VCV002586534.2), dbSNP rs2532671828, ClinGen allele CA2582342031.